The following is an entry in ClinVar:

ClinVar aggregate classification (germline): Conflicting classifications of pathogenicity. Review status: criteria provided, conflicting classifications (1 of 4 stars). 3 submissions from 3 submitters: Uncertain significance (2); Likely benign (1). Last evaluated 2026-03-05.

Conditions:
DRAM2-related disorder. Also called: DRAM2-related condition.

Allele frequency attached by ClinVar (database versions not stated): gnomAD exomes 0.00003; ExAC 0.00011.
gnomAD v4.1: 40 of 1,609,422 alleles (0.0025%); highest among the groups gnomAD compares: South Asian, 0.039%; 1 homozygote.

Submissions (3):

PreventionGenetics, part of Exact Sciences
Classification: Uncertain significance for DRAM2-related condition. Last evaluated: 2026-03-05. Review status: criteria provided, single submitter. Criteria: ACMG Guidelines, 2015. Collection method: clinical testing. Allele origin: germline.
Comment: The DRAM2 c.625A>G variant is predicted to result in the amino acid substitution p.Thr209Ala. To our knowledge, this variant has not been reported in the literature. This variant is reported in 0.040% of alleles in individuals of South Asian descent in gnomAD. At this time, the clinical significance of this variant is uncertain due to the absence of conclusive functional and genetic evidence.

Blueprint Genetics
Classification: Likely benign. Last evaluated: 2024-09-16. Review status: criteria provided, single submitter. Criteria: ACMG Guidelines, 2015. Collection method: clinical testing. Allele origin: germline.

Labcorp Genetics (formerly Invitae), Labcorp
Classification: Uncertain significance. Last evaluated: 2022-11-22. Review status: criteria provided, single submitter. Criteria: Invitae Variant Classification Sherloc (09022015). Collection method: clinical testing. Allele origin: germline.
Comment: In summary, the available evidence is currently insufficient to determine the role of this variant in disease. Therefore, it has been classified as a Variant of Uncertain Significance. Advanced modeling of protein sequence and biophysical properties (such as structural, functional, and spatial information, amino acid conservation, physicochemical variation, residue mobility, and thermodynamic stability) performed at Invitae indicates that this missense variant is not expected to disrupt DRAM2 protein function. This variant has not been reported in the literature in individuals affected with DRAM2-related conditions. This variant is present in population databases (rs748061359, gnomAD 0.04%). This sequence change replaces threonine, which is neutral and polar, with alanine, which is neutral and non-polar, at codon 209 of the DRAM2 protein (p.Thr209Ala).

NM_001349884.2(DRAM2):c.625A>G (p.Thr209Ala)

Gene: DRAM2 (DNA damage regulated autophagy modulator 2; minus strand). Cytogenetic location: 1p13.3.
Variant type: single nucleotide variant.
Coding change: c.625A>G on transcript NM_001349884.2 (MANE Select); coding-DNA position 625, A replaced by G.
Protein change: p.Thr209Ala; replaces threonine 209 with alanine.
Molecular consequence: missense variant. On other transcripts: non-coding transcript variant (8).
Genome position (GRCh38, 1-based): chr1:111,118,873, T>C on the plus strand (A>G on the coding strand, the complement: DRAM2 is on the minus strand). VCF-style: chr1-111118873-T-C. GRCh37 (hg19) VCF-style: chr1-111661495-T-C.
Other names: c.625A>G, p.Thr209Ala (NM_001349881.2, NM_001349882.2, NM_001349885.2 and 1 more transcripts); c.355A>G, p.Thr119Ala (NM_001349886.2, NM_001349887.2, NM_001349888.2); c.235A>G, p.Thr79Ala (NM_001349889.2, NM_001349890.2, NM_001349891.2 and 2 more transcripts); c.625A>G (NM_178454.4); short protein forms T209A, T119A, T79A.
Identifiers: ClinVar variation 1918858 (VCV001918858.7), dbSNP rs748061359, ClinGen allele CA1001772.